The following is an entry in ClinVar:

NM_002734.5(PRKAR1A):c.-14G>T

Gene: PRKAR1A (protein kinase cAMP-dependent type I regulatory subunit alpha; plus strand). Cytogenetic location: 17q24.2.
Variant type: single nucleotide variant.
Coding change: c.-14G>T on transcript NM_002734.5 (MANE Select); 14 bases upstream of the start codon, G replaced by T.
Molecular consequence: 5 prime UTR variant. On other transcripts: intron variant (3).
Genome position (GRCh38, 1-based): chr17:68,512,541, G>T. VCF-style: chr17-68512541-G-T. GRCh37 (hg19) VCF-style: chr17-66508682-G-T.
Other names: c.-147G>T (NM_001276289.2); c.-45G>T (NM_212472.2); c.-6-2853G>T (NM_001278433.2); c.-140+399G>T (NM_001369389.1); c.-7+399G>T (NM_212471.3).
Identifiers: ClinVar variation 1450797 (VCV001450797.6), dbSNP rs2085291226, ClinGen allele CA2272250403.
Genomic context (GRCh38, chr17:68,512,541, plus strand): 5'-CGCTGAGGGAGCTCGGTACGCCGCCGCCTCGCACCCGCAGCCTCGCGCCCGCCGCCGCCC[G>T]TCCCCAGGTGAGTGGGGTCGGCCGGGGGCTCAGGCGAGGTGAGCTTCGTCGCTTCGCAGC-3'

ClinVar aggregate classification (germline): Uncertain significance (1 of 4 stars; one submission).

Conditions:
Carney complex, type 1 (CNC1). Also called: CARNEY MYXOMA-ENDOCRINE COMPLEX; CARNEY COMPLEX, TYPE I. Identifiers: Orphanet 1359, MedGen C2607929, MONDO:0008057, OMIM 160980.

Allele frequency attached by ClinVar (database versions not stated): gnomAD 0.00001; TOPMed 0.00001; 1000 Genomes Project 30x 0.00016.

Submission:

Labcorp Genetics (formerly Invitae), Labcorp
Classification: Uncertain significance for Carney complex, type 1. Last evaluated: 2021-12-13. Review status: criteria provided, single submitter. Criteria: Invitae Variant Classification Sherloc (09022015). Collection method: clinical testing. Allele origin: germline.
Comment: In summary, the available evidence is currently insufficient to determine the role of this variant in disease. Therefore, it has been classified as a Variant of Uncertain Significance. Experimental studies and prediction algorithms are not available or were not evaluated, and the functional significance of this variant is currently unknown. This variant has not been reported in the literature in individuals affected with PRKAR1A-related conditions. This variant is not present in population databases (gnomAD no frequency). This variant occurs in a non-coding region of the PRKAR1A gene. It does not change the encoded amino acid sequence of the PRKAR1A protein.